The following is an entry in ClinVar:

ClinVar aggregate classification (germline): Likely pathogenic (1 of 4 stars; one submission).

Conditions:
Autosomal dominant nonsyndromic hearing loss 10. Identifiers: Orphanet 90635, MedGen C1832476, MONDO:0011031, OMIM 601316.

Submission:

Institute of Rare Diseases, West China Hospital, Sichuan University
Classification: Likely pathogenic for Autosomal dominant nonsyndromic hearing loss 10. Last evaluated: 2025-01-09. Review status: criteria provided, single submitter. Criteria: ClinGen HL ACMG Specifications v1. Collection method: research. Allele origin: germline. Affected: yes.
Comment: PVS1;PM2_Supporting

NM_004100.5(EYA4):c.1200dup (p.Met401fs)

Genes: EYA4 (EYA transcriptional coactivator and phosphatase 4; plus strand), TARID (TCF21 antisense RNA inducing promoter demethylation; minus strand), LOC126859796 (MED14-independent group 3 enhancer GRCh37_chr6:133826289-133827488; plus strand). Cytogenetic location: 6q23.2.
Variant type: Duplication.
Coding change: c.1200dup on transcript NM_004100.5 (MANE Select); coding-DNA position 1200, one base duplicated (C; older notation c.1200dupC).
Protein change: p.Met401fs; shifts the reading frame from methionine 401.
Molecular consequence: frameshift variant. On other transcripts: non-coding transcript variant (1).
Genome position (GRCh38, 1-based): chr6:133,506,114, C duplicated; the last of 6 consecutive C bases (chr6:133,506,109-133,506,114); duplicating any one gives the same sequence. VCF-style (leftmost placement, unchanged base first): chr6-133506108-T-TC. GRCh37 (hg19) VCF-style: chr6-133827246-T-TC.
Other names: c.1038dup, p.Met347fs (NM_001301012.2); c.1218dup, p.Met407fs (NM_001301013.2); c.1131dup, p.Met378fs (NM_001370458.1, NM_172103.4); c.1056dup, p.Met353fs (NM_001370459.1); c.1200dup, p.Met401fs (NM_172105.4); short protein forms M347fs, M353fs, M378fs, M401fs, M407fs.
Identifiers: ClinVar variation 3601118 (VCV003601118.1).